The following is an entry in ClinVar:

ClinVar aggregate classification (germline): Pathogenic (1 of 4 stars; one submission).

Conditions:
Jeune thoracic dystrophy. Also called: Short-rib thoracic dysplasia; Jeune syndrome; Infantile thoracic dystrophy; Thoracic pelvic phalangeal dystrophy; Jeune's syndrome; Chondroectodermal dysplasia-like syndrome. Identifiers: Orphanet 474, MedGen C0265275, MONDO:0018770.
Nephronophthisis. Also called: Juvenile Nephronophthisis. Identifiers: Orphanet 655, MedGen C0687120, MONDO:0019005, HP:0000090.

Submission:

Labcorp Genetics (formerly Invitae), Labcorp
Classification: Pathogenic for Jeune thoracic dystrophy; Nephronophthisis. Last evaluated: 2024-12-08. Review status: criteria provided, single submitter. Criteria: Invitae Variant Classification Sherloc (09022015). Collection method: clinical testing. Allele origin: germline.
Comment: This sequence change creates a premature translational stop signal (p.Glu520*) in the TTC21B gene. It is expected to result in an absent or disrupted protein product. Loss-of-function variants in TTC21B are known to be pathogenic (PMID: 18327258, 21068128, 21258341, 23559409, 24876116, 25492405, 27491411, 29068549). This variant is not present in population databases (gnomAD no frequency). This variant has not been reported in the literature in individuals affected with TTC21B-related conditions. For these reasons, this variant has been classified as Pathogenic.

Literature cited by the submitters: PubMed 18327258; PubMed 21068128; PubMed 21258341; PubMed 23559409; PubMed 24876116; PubMed 25492405; PubMed 27491411; PubMed 29068549.

NM_024753.5(TTC21B):c.1558G>T (p.Glu520Ter)

Gene: TTC21B (tetratricopeptide repeat domain 21B; minus strand). Cytogenetic location: 2q24.3.
Variant type: single nucleotide variant.
Coding change: c.1558G>T on transcript NM_024753.5 (MANE Select); coding-DNA position 1558, G replaced by T.
Protein change: p.Glu520Ter; replaces glutamic acid 520 with a stop codon.
Molecular consequence: nonsense.
Genome position (GRCh38, 1-based): chr2:165,919,392, C>A on the plus strand (G>T on the coding strand, the complement: TTC21B is on the minus strand). VCF-style: chr2-165919392-C-A. GRCh37 (hg19) VCF-style: chr2-166775902-C-A.
Other names: short protein forms E520*.
Identifiers: ClinVar variation 3748730 (VCV003748730.2).